The following is an entry in ClinVar:

NM_000091.5(COL4A3):c.1066G>T (p.Glu356Ter)

Genes: MFF-DT (MFF divergent transcript; minus strand), COL4A3 (collagen type IV alpha 3 chain; plus strand). Cytogenetic location: 2q36.3.
Variant type: single nucleotide variant.
Coding change: c.1066G>T on transcript NM_000091.5 (MANE Select); coding-DNA position 1066, G replaced by T.
Protein change: p.Glu356Ter; replaces glutamic acid 356 with a stop codon.
Molecular consequence: nonsense.
Genome position (GRCh38, 1-based): chr2:227,259,829, G>T. VCF-style: chr2-227259829-G-T. GRCh37 (hg19) VCF-style: chr2-228124545-G-T.
Other names: short protein forms E356*.
Identifiers: ClinVar variation 1724520 (VCV001724520.2), dbSNP rs752030126, ClinGen allele CA350868309.

ClinVar aggregate classification (germline): Likely pathogenic (1 of 4 stars; one submission).

Conditions:
Autosomal recessive Alport syndrome (ATS2). Also called: COL4A3-Related Nephropathy; COL4A4 Alport Syndrome and Thin Basement Membrane Nephropathy; ALPORT SYNDROME 2, AUTOSOMAL RECESSIVE; Alport syndrome type 2. Identifiers: Orphanet 63, Orphanet 88919, MedGen C4746745, MONDO:0008762, OMIM 203780.

Submission:

Myriad Genetics, Inc.
Classification: Likely pathogenic for Autosomal recessive Alport syndrome. Last evaluated: 2022-02-19. Review status: criteria provided, single submitter. Criteria: Myriad Women's Health Autosomal Recessive and X-Linked Classification Criteria (2021). Collection method: clinical testing. Allele origin: unknown.
Comment: NM_000091.4(COL4A3):c.1066G>T(E356*) is expected to be pathogenic in the context of COL4A3-related Alport syndrome. This variant is predicted to lead to an abnormal or absent protein product due to the creation of a premature termination codon in COL4A3, a gene where loss-of-function variants are known to be pathogenic. Please note: this variant was assessed in the context of healthy population screening.